The following is an entry in ClinVar:

ClinVar aggregate classification (germline): Uncertain significance. Review status: criteria provided, multiple submitters, no conflicts (2 of 4 stars). 2 submissions from 2 submitters: Uncertain significance (2). Last evaluated 2025-09-07.

Conditions:
Congenital disorder of glycosylation type Ir (CDG1R). Also called: DDOST-congenital disorder of glycosylation. Identifiers: Orphanet 300536, MedGen C3281084, MONDO:0013789, OMIM 614507.

gnomAD v4.1: 31 of 1,614,052 alleles (0.0019%); highest among the groups gnomAD compares: African/African-American, 0.0027%; no homozygotes.

Submissions (2):

Labcorp Genetics (formerly Invitae), Labcorp
Classification: Uncertain significance for Congenital disorder of glycosylation type Ir. Last evaluated: 2025-09-07. Review status: criteria provided, single submitter. Criteria: Invitae Variant Classification Sherloc (09022015). Collection method: clinical testing. Allele origin: germline.
Comment: This sequence change replaces arginine, which is basic and polar, with histidine, which is basic and polar, at codon 307 of the DDOST protein (p.Arg307His). This variant is present in population databases (rs367807479, gnomAD 0.006%). This variant has not been reported in the literature in individuals affected with DDOST-related conditions. ClinVar contains an entry for this variant (Variation ID: 3500314). Invitae Evidence Modeling of protein sequence and biophysical properties (such as structural, functional, and spatial information, amino acid conservation, physicochemical variation, residue mobility, and thermodynamic stability) indicates that this missense variant is expected to disrupt DDOST protein function with a positive predictive value of 80%. In summary, the available evidence is currently insufficient to determine the role of this variant in disease. Therefore, it has been classified as a Variant of Uncertain Significance.

Ambry Genetics
Classification: Uncertain significance. Last evaluated: 2024-08-20. Review status: criteria provided, single submitter. Criteria: Ambry Variant Classification Scheme 2023. Collection method: clinical testing. Allele origin: germline.

NM_005216.5(DDOST):c.869G>A (p.Arg290His)

Gene: DDOST (dolichyl-diphosphooligosaccharide--protein glycosyltransferase non-catalytic subunit; minus strand). Cytogenetic location: 1p36.12.
Variant type: single nucleotide variant.
Coding change: c.869G>A on transcript NM_005216.5 (MANE Select); coding-DNA position 869, G replaced by A.
Protein change: p.Arg290His; replaces arginine 290 with histidine.
Molecular consequence: missense variant.
Genome position (GRCh38, 1-based): chr1:20,653,700, C>T on the plus strand (G>A on the coding strand, the complement: DDOST is on the minus strand). VCF-style: chr1-20653700-C-T. GRCh37 (hg19) VCF-style: chr1-20980193-C-T.
Other names: short protein forms R290H.
Identifiers: ClinVar variation 3500314 (VCV003500314.2).
Genomic context (GRCh38, chr1:20,653,700, plus strand): 5'-ACAGTGTAGGCATTGGGTGGGGCTGTCTCGCCCACCCGATGATGGGACACAGGCCCCACA[C>T]GGAGGACACCCTCCTCCTTGAACACCCAGCGGGAGAGGGCCACAGCTAGTTCATAGTTGC-3'
Protein context (NP_005207.3, residues 280-300): RWVFKEEGVL[Arg290His]VGPVSHHRVG